The following is an entry in ClinVar:

NM_000038.6(APC):c.6591T>G (p.Ser2197Arg)

Gene: APC (APC regulator of Wnt signaling pathway; plus strand). Cytogenetic location: 5q22.2.
Variant type: single nucleotide variant.
Coding change: c.6591T>G on transcript NM_000038.6 (MANE Select); coding-DNA position 6591, T replaced by G.
Protein change: p.Ser2197Arg; replaces serine 2197 with arginine.
Molecular consequence: missense variant. On other transcripts: non-coding transcript variant (2).
Genome position (GRCh38, 1-based): chr5:112,842,185, T>G. VCF-style: chr5-112842185-T-G. GRCh37 (hg19) VCF-style: chr5-112177882-T-G.
Other names: c.6591T>G, p.Ser2197Arg (NM_001127510.3, NM_001354895.2, NM_001407450.1); c.6537T>G, p.Ser2179Arg (NM_001127511.3); c.6645T>G, p.Ser2215Arg (NM_001354896.2, NM_001407447.1, NM_001407448.1 and 1 more transcripts); c.6621T>G, p.Ser2207Arg (NM_001354897.2); c.6516T>G, p.Ser2172Arg (NM_001354898.2); c.6507T>G, p.Ser2169Arg (NM_001354899.2); c.6468T>G, p.Ser2156Arg (NM_001354900.2); c.6414T>G, p.Ser2138Arg (NM_001354901.2, NM_001407453.1); and 11 more; short protein forms S2156R, S2179R, S2190R, S2207R, S2215R, S2106R, S2138R, S2169R.
Identifiers: ClinVar variation 4584265 (VCV004584265.1).
Genomic context (GRCh38, chr5:112,842,185, plus strand): 5'-AACTAAAAAGATAGAATCTGAAAGTAAAGGAATCAAAGGAGGAAAAAAAGTTTATAAAAG[T>G]TTGATTACTGGAAAAGTTCGATCTAATTCAGAAATTTCAGGCCAAATGAAACAGCCCCTT-3'
Protein context (NP_000029.2, residues 2187-2207): GIKGGKKVYK[Ser2197Arg]LITGKVRSNS

ClinVar aggregate classification (germline): Uncertain significance (1 of 4 stars; one submission).

Conditions:
Hereditary cancer-predisposing syndrome. Also called: Neoplastic Syndromes, Hereditary; Tumor predisposition; Hereditary Cancer Syndrome; Hereditary neoplastic syndrome. Identifiers: Orphanet 140162, MedGen C0027672, MeSH D009386, MONDO:0015356.

Submission:

Ambry Genetics
Classification: Uncertain significance for Hereditary cancer-predisposing syndrome. Last evaluated: 2025-10-16. Review status: criteria provided, single submitter. Criteria: Ambry Variant Classification Scheme 2023. Collection method: clinical testing. Allele origin: germline.
Comment: The p.S2197R variant (also known as c.6591T>G), located in coding exon 15 of the APC gene, results from a T to G substitution at nucleotide position 6591. The serine at codon 2197 is replaced by arginine, an amino acid with dissimilar properties. This amino acid position is conserved. In addition, in silico predictors for this gene do not accurately predict pathogenicity. Based on the available evidence, the clinical significance of this variant remains unclear.